The following is an entry in ClinVar:

NM_001203.3(BMPR1B):c.*413G>A

Gene: BMPR1B (bone morphogenetic protein receptor type 1B; plus strand). Cytogenetic location: 4q22.3.
Variant type: single nucleotide variant.
Coding change: c.*413G>A on transcript NM_001203.3 (MANE Select); 413 bases downstream of the stop codon, G replaced by A.
Molecular consequence: 3 prime UTR variant.
Genome position (GRCh38, 1-based): chr4:95,155,086, G>A. VCF-style: chr4-95155086-G-A. GRCh37 (hg19) VCF-style: chr4-96076237-G-A.
Other names: c.*413G>A (NM_001256792.2, NM_001256793.2, NM_001256794.1).
Identifiers: ClinVar variation 350137 (VCV000350137.5), dbSNP rs188703962, ClinGen allele CA10622005.

ClinVar aggregate classification (germline): Likely benign (1 of 4 stars; one submission).

Conditions:
Brachydactyly. Also called: Brachydactyly syndrome; Brachydactyly (disease). Identifiers: MedGen C0221357, MONDO:0021004, HP:0001156.

Allele frequency attached by ClinVar (database versions not stated): gnomAD 0.00194 and 0.00198; TOPMed 0.00209; 1000 Genomes Project 0.00220; 1000 Genomes Project 30x 0.00234.
gnomAD v4.1: 346 of 179,544 alleles (0.19%); highest among the groups gnomAD compares: Admixed American, 0.32%; no homozygotes.

Submission:

Illumina Laboratory Services, Illumina
Classification: Likely benign for Brachydactyly. Last evaluated: 2017-04-27. Review status: criteria provided, single submitter. Criteria: ICSL Variant Classification Criteria 13 December 2019. Collection method: clinical testing. Allele origin: germline.
Comment: This variant was observed as part of a predisposition screen in an ostensibly healthy population. A literature search was performed for the gene, cDNA change, and amino acid change (where applicable). No publications were found based on this search. Allele frequency data from public databases allowed determination this variant is unlikely to cause disease. Therefore, this variant is classified as likely benign.